The following is an entry in ClinVar:

ClinVar aggregate classification (germline): Uncertain significance (1 of 4 stars; one submission).

Conditions:
Neuropathy, hereditary sensory, type 2C. Also called: KIF1A-Related HSAN2 (HSAN2C); Hereditary sensory and autonomic neuropathy type IIC. Identifiers: Orphanet 970, MedGen C3280168, MONDO:0013634, OMIM 614213.
Intellectual disability, autosomal dominant 9 (NESCAVS). Also called: NESCAV SYNDROME; KIF1A-Related Neurodevelopmental Disorder. Identifiers: Orphanet 662367, MedGen C5393830, MONDO:0013656, OMIM 614255.
Hereditary spastic paraplegia 30. Identifiers: Orphanet 101010, MedGen C5235139, MONDO:0012476.

Allele frequency attached by ClinVar (database versions not stated): gnomAD exomes below 0.00001; ExAC 0.00003.
gnomAD v4.1: 9 of 1,582,968 alleles (0.00057%); highest among the groups gnomAD compares: Admixed American, 0.0018%; no homozygotes.

Submission:

Labcorp Genetics (formerly Invitae), Labcorp
Classification: Uncertain significance for Hereditary spastic paraplegia 30; Neuropathy, hereditary sensory, type 2C; Intellectual disability, autosomal dominant 9. Last evaluated: 2018-09-20. Review status: criteria provided, single submitter. Criteria: Invitae Variant Classification Sherloc (09022015). Collection method: clinical testing. Allele origin: germline.
Comment: This sequence change replaces aspartic acid with asparagine at codon 1149 of the KIF1A protein (p.Asp1149Asn). The aspartic acid residue is highly conserved and there is a small physicochemical difference between aspartic acid and asparagine. This variant is present in population databases (rs747707345, ExAC 0.05%). This variant has not been reported in the literature in individuals with KIF1A-related disease. Algorithms developed to predict the effect of missense changes on protein structure and function are either unavailable or do not agree on the potential impact of this missense change (SIFT: "Deleterious"; PolyPhen-2: "Possibly Damaging"; Align-GVGD: "Class C0"). In summary, the available evidence is currently insufficient to determine the role of this variant in disease. Therefore, it has been classified as a Variant of Uncertain Significance.

NM_001244008.2(KIF1A):c.3748G>A (p.Asp1250Asn)

Gene: KIF1A (kinesin family member 1A; minus strand). Cytogenetic location: 2q37.3.
Variant type: single nucleotide variant.
Coding change: c.3748G>A on transcript NM_001244008.2 (MANE Select); coding-DNA position 3748, G replaced by A.
Protein change: p.Asp1250Asn; replaces aspartic acid 1250 with asparagine.
Molecular consequence: missense variant.
Genome position (GRCh38, 1-based): chr2:240,741,270, C>T on the plus strand (G>A on the coding strand, the complement: KIF1A is on the minus strand). VCF-style: chr2-240741270-C-T. GRCh37 (hg19) VCF-style: chr2-241680687-C-T.
Other names: c.3472G>A, p.Asp1158Asn (NM_001320705.2, NM_001330289.2, NM_001379638.1); c.3547G>A, p.Asp1183Asn (NM_001330290.2, NM_001379634.1, NM_001379635.1 and 1 more transcripts); c.3823G>A, p.Asp1275Asn (NM_001379631.1); c.3697G>A, p.Asp1233Asn (NM_001379632.1); c.3721G>A, p.Asp1241Asn (NM_001379633.1, NM_001379642.1, NM_001379645.1); c.3445G>A, p.Asp1149Asn (NM_001379636.1, NM_001379639.1, NM_001379641.1 and 5 more transcripts); c.3520G>A, p.Asp1174Asn (NM_001379637.1, NM_001379648.1); c.3442G>A, p.Asp1148Asn (NM_001379640.1); short protein forms D1149N, D1183N, D1250N, D1158N, D1148N, D1174N, D1233N, D1241N.
Identifiers: ClinVar variation 641872 (VCV000641872.9), dbSNP rs747707345, ClinGen allele CA2207688.
Genomic context (GRCh38, chr2:240,741,270, plus strand): 5'-CTCTCCGCGCACCCCCCGACACACACTCACGCCCTGGGGGCCCCAGCACCAGCACTCACT[C>T]GCCGTTGGCCTCCAGCTCACAGATCTCGAAGTAGACCAGCAGGTCGTACTTGCAGTGGCA-3'
Protein context (NP_001230937.1, residues 1240-1260): FEICELEANG[Asp1250Asn]YIPAVVDHRG